The following is an entry in ClinVar:

NM_000138.5(FBN1):c.188A>G (p.Tyr63Cys)

Gene: FBN1 (fibrillin 1; minus strand). Cytogenetic location: 15q21.1.
Variant type: single nucleotide variant.
Coding change: c.188A>G on transcript NM_000138.5 (MANE Select); coding-DNA position 188, A replaced by G.
Protein change: p.Tyr63Cys; replaces tyrosine 63 with cysteine.
Molecular consequence: missense variant.
Genome position (GRCh38, 1-based): chr15:48,613,069, T>C on the plus strand (A>G on the coding strand, the complement: FBN1 is on the minus strand). VCF-style: chr15-48613069-T-C. GRCh37 (hg19) VCF-style: chr15-48905266-T-C.
Other names: NM_000138.5(FBN1):c.188A>G; p.Tyr63Cys; short protein forms Y63C.
Identifiers: ClinVar variation 547296 (VCV000547296.11), dbSNP rs1303389437, ClinGen allele CA392448489.

ClinVar aggregate classification (germline): Uncertain significance. Review status: reviewed by expert panel (3 of 4 stars). 4 submissions from 4 submitters: Uncertain significance (1). 3 of the submissions do not count toward it. Last evaluated 2023-12-21.

Conditions:
Familial thoracic aortic aneurysm and aortic dissection (TAAD). Also called: Thoracic aortic aneurysms and dissections. Identifiers: Orphanet 91387, MedGen C4707243, MONDO:0019625.
Marfan syndrome (MFS). Also called: Marfan syndrome type 1; Marfan syndrome, classic; Marfan's syndrome; FBN1-Related Marfan Syndrome; MARFAN SYNDROME, TYPE I. Identifiers: Orphanet 284963, Orphanet 558, MedGen C0024796, MONDO:0007947, OMIM 154700.

Allele frequency attached by ClinVar (database versions not stated): gnomAD exomes below 0.00001.

Submissions (4):

ClinGen FBN1 Variant Curation Expert Panel, ClinGen
Classification: Uncertain significance for Marfan syndrome. Last evaluated: 2023-12-21. Review status: reviewed by expert panel. Criteria: Assertion Criteria VCEP FBN1 Version 1. Collection method: curation. Allele origin: germline. Inheritance: Autosomal dominant inheritance.
Comment: The NM_00138 c.188A>G is a missense variant in FBN1 predicted to cause a substitution of a tyrosine by cysteine at amino acid 63 (p.Tyr63Cys). This variant was found in a proband with a clinical diagnosis of Marfan syndrome (PMID 17657824) (PP4). This variant in FBN1 has been reported three times in ClinVar: 1 time as uncertain significance, 1 time as likely pathogenic, and 1 time as pathogenic (Variation ID: 547296). This variant has previously been reported in at least two apparently unrelated individuals with ectopia lentis (PMID 25053872, 28941062) and in an individual with a suspected or confimed diagnosis of Marfan syndrome (Centre for Human Genetics, Inc. ClinVar entry) (PS4_mod). This variant has been identified in 1/112420 (0.0004%) individuals of European non-Finnish origin (2.1.1). Computational prediction tools and conservation analysis are inconclusive data with regards to a possible impact on this variant protein function and structure (REVEL: 0.72). The constraint z-score for missense variants affecting FBN1 is 5.06 (PP2). Due to the conflicting evidence, this variant is classified as uncertain significance for Marfan syndrome based on the ACMG/AMP criteria applied, as specified by the ClinGen FBN1 VCEP: PS4_Mod, PP2, PP4

GeneDx
Classification: Uncertain significance. Last evaluated: 2025-10-24. Review status: criteria provided, single submitter. Criteria: GeneDx Variant Classification Process June 2021. Collection method: clinical testing. Allele origin: germline. Affected: yes. Not counted in ClinVar's aggregate classification.
Comment: Not observed at significant frequency in large population cohorts (gnomAD); Does not affect a cysteine or calcium-binding residue within an EGF-like domain or a TGF-binding protein domain of the FBN1 gene; cysteine substitutions in the EGF-like domains represent the majority of pathogenic missense changes associated with FBN1-related disorders (PMID: 12938084); In silico analysis supports that this missense variant has a deleterious effect on protein structure/function; This variant is associated with the following publications: (PMID: 28941062, 25053872, 17657824, 20564469, 12938084, 38190127)

Labcorp Genetics (formerly Invitae), Labcorp
Classification: Pathogenic for Marfan syndrome; Familial thoracic aortic aneurysm and aortic dissection. Last evaluated: 2025-09-14. Review status: criteria provided, single submitter. Criteria: Invitae Variant Classification Sherloc (09022015). Collection method: clinical testing. Allele origin: germline. Not counted in ClinVar's aggregate classification.
Comment: This sequence change replaces tyrosine, which is neutral and polar, with cysteine, which is neutral and slightly polar, at codon 63 of the FBN1 protein (p.Tyr63Cys). This variant is present in population databases (no rsID available, gnomAD 0.0009%). This missense change has been observed in individuals with FBN1-related conditions (PMID: 17657824, 25053872, 28941062; internal data). It has also been observed to segregate with disease in related individuals. ClinVar contains an entry for this variant (Variation ID: 547296). Invitae Evidence Modeling of protein sequence and biophysical properties (such as structural, functional, and spatial information, amino acid conservation, physicochemical variation, residue mobility, and thermodynamic stability) has been performed for this missense variant. However, the output from this modeling did not meet the statistical confidence thresholds required to predict the impact of this variant on FBN1 protein function. For these reasons, this variant has been classified as Pathogenic.

Center for Human Genetics, Inc
Classification: Likely pathogenic for Marfan syndrome. Last evaluated: 2016-11-01. Review status: criteria provided, single submitter. Criteria: ACMG Guidelines, 2015. Collection method: clinical testing. Allele origin: germline. Affected: yes. Not counted in ClinVar's aggregate classification.

Literature cited by the submitters: PubMed 17657824 (cited by Labcorp Genetics (formerly Invitae), Labcorp); PubMed 25053872 (cited by Labcorp Genetics (formerly Invitae), Labcorp); PubMed 28941062 (cited by Labcorp Genetics (formerly Invitae), Labcorp).